The following is an entry in ClinVar:

NM_004366.6(CLCN2):c.2683G>A (p.Asp895Asn)

Gene: CLCN2 (chloride voltage-gated channel 2; minus strand). Cytogenetic location: 3q27.1.
Variant type: single nucleotide variant.
Coding change: c.2683G>A on transcript NM_004366.6 (MANE Select); coding-DNA position 2683, G replaced by A.
Protein change: p.Asp895Asn; replaces aspartic acid 895 with asparagine.
Molecular consequence: missense variant.
Genome position (GRCh38, 1-based): chr3:184,346,620, C>T on the plus strand (G>A on the coding strand, the complement: CLCN2 is on the minus strand). VCF-style: chr3-184346620-C-T. GRCh37 (hg19) VCF-style: chr3-184064408-C-T.
Other names: c.2683G>A (NM_004366.5, NM_004366.4); c.2632G>A, p.Asp878Asn (NM_001171087.3); c.2551G>A, p.Asp851Asn (NM_001171088.3); c.2596G>A, p.Asp866Asn (NM_001171089.3); short protein forms D851N, D866N, D878N, D895N.
Identifiers: ClinVar variation 1319023 (VCV001319023.15), dbSNP rs150751460, ClinGen allele CA2733607.

ClinVar aggregate classification (germline): Conflicting classifications of pathogenicity. Review status: criteria provided, conflicting classifications (1 of 4 stars). 5 submissions from 5 submitters: Uncertain significance (3); Likely benign (2). Last evaluated 2026-02-19.

Conditions:
CLCN2-related disorder. Also called: CLCN2-related condition; CLCN2-related disorders.
Inborn genetic diseases. Identifiers: MedGen C0950123, MeSH D030342.

Allele frequency attached by ClinVar (database versions not stated): ESP Exome Variant Server 0.00085; TOPMed 0.00088; 1000 Genomes Project 0.00100; 1000 Genomes Project 30x 0.00109; gnomAD exomes 0.00009 and 0.00025; ExAC 0.00034; gnomAD 0.00074 and 0.00077.
gnomAD v4.1: 245 of 1,613,990 alleles (0.015%); highest among the groups gnomAD compares: African/African-American, 0.26%; no homozygotes.

Submissions (5):

PreventionGenetics, part of Exact Sciences
Classification: Likely benign for CLCN2-related condition. Last evaluated: 2026-02-19. Review status: criteria provided, single submitter. Criteria: ACMG Guidelines, 2015. Collection method: clinical testing. Allele origin: germline.
Comment: This variant is classified as likely benign based on ACMG/AMP sequence variant interpretation guidelines (Richards et al. 2015 PMID: 25741868, with internal and published modifications).

Labcorp Genetics (formerly Invitae), Labcorp
Classification: Likely benign. Last evaluated: 2025-10-18. Review status: criteria provided, single submitter. Criteria: Invitae Variant Classification Sherloc (09022015). Collection method: clinical testing. Allele origin: germline.

Ambry Genetics
Classification: Uncertain significance for Inborn genetic diseases. Last evaluated: 2025-03-08. Review status: criteria provided, single submitter. Criteria: Ambry Variant Classification Scheme 2023. Collection method: clinical testing. Allele origin: germline.

Laboratorio de Genetica e Diagnostico Molecular, Hospital Israelita Albert Einstein
Classification: Uncertain significance. Last evaluated: 2021-03-30. Review status: criteria provided, single submitter. Criteria: ACMG Guidelines, 2015. Collection method: clinical testing. Allele origin: germline. Affected: yes.
Comment: ACMG classification criteria: BP4

GeneDx
Classification: Uncertain significance. Last evaluated: 2019-05-16. Review status: criteria provided, single submitter. Criteria: GeneDx Variant Classification Process June 2021. Collection method: clinical testing. Allele origin: germline. Affected: yes.
Comment: In silico analysis, which includes protein predictors and evolutionary conservation, supports that this variant does not alter protein structure/function; Has not been previously published as pathogenic or benign to our knowledge